The following is an entry in ClinVar:

NM_017534.6(MYH2):c.1750C>A (p.His584Asn)

Genes: MYH2 (myosin heavy chain 2; minus strand), MYHAS (myosin heavy chain gene cluster antisense RNA; plus strand). Cytogenetic location: 17p13.1.
Variant type: single nucleotide variant.
Coding change: c.1750C>A on transcript NM_017534.6 (MANE Select); coding-DNA position 1750, C replaced by A.
Protein change: p.His584Asn; replaces histidine 584 with asparagine.
Molecular consequence: missense variant.
Genome position (GRCh38, 1-based): chr17:10,537,380, G>T on the plus strand (C>A on the coding strand, the complement: MYH2 is on the minus strand). VCF-style: chr17-10537380-G-T. GRCh37 (hg19) VCF-style: chr17-10440697-G-T.
Other names: c.1750C>A, p.His584Asn (NM_001100112.2); c.1750C>A (NM_017534.5); short protein forms H584N.
Identifiers: ClinVar variation 2145139 (VCV002145139.6), dbSNP rs2508451422, ClinGen allele CA398155475.

ClinVar aggregate classification (germline): Uncertain significance. Review status: criteria provided, multiple submitters, no conflicts (2 of 4 stars). 2 submissions from 2 submitters: Uncertain significance (2). Last evaluated 2026-05-15.

Conditions:
Myopathy, proximal, and ophthalmoplegia (CMYO6). Also called: CONGENITAL MYOPATHY 6 WITH OPHTHALMOPLEGIA; MYOPATHY WITH CONGENITAL JOINT CONTRACTURES, OPHTHALMOPLEGIA, AND RIMMED VACUOLES; INCLUSION BODY MYOPATHY 3, AUTOSOMAL DOMINANT. Identifiers: Orphanet 363677, Orphanet 79091, MedGen C1854106, MONDO:0011577, OMIM 605637.

Submissions (2):

GeneDx
Classification: Uncertain significance. Last evaluated: 2026-05-15. Review status: criteria provided, single submitter. Criteria: GeneDx Variant Classification Process June 2021. Collection method: clinical testing. Allele origin: germline.
Comment: Not observed at significant frequency in large population cohorts (gnomAD); In silico analysis supports that this missense variant has a deleterious effect on protein structure/function; Has not been previously published as pathogenic or benign to our knowledge

Labcorp Genetics (formerly Invitae), Labcorp
Classification: Uncertain significance for Myopathy, proximal, and ophthalmoplegia. Last evaluated: 2022-07-29. Review status: criteria provided, single submitter. Criteria: Invitae Variant Classification Sherloc (09022015). Collection method: clinical testing. Allele origin: germline.
Comment: This sequence change replaces histidine, which is basic and polar, with asparagine, which is neutral and polar, at codon 584 of the MYH2 protein (p.His584Asn). This variant is not present in population databases (gnomAD no frequency). This variant has not been reported in the literature in individuals affected with MYH2-related conditions. Algorithms developed to predict the effect of missense changes on protein structure and function (SIFT, PolyPhen-2, Align-GVGD) all suggest that this variant is likely to be disruptive. In summary, the available evidence is currently insufficient to determine the role of this variant in disease. Therefore, it has been classified as a Variant of Uncertain Significance.